The following is an entry in ClinVar:

NM_001283009.2(RTEL1):c.3060G>T (p.Glu1020Asp)

Genes: RTEL1 (regulator of telomere elongation helicase 1; plus strand), RTEL1-TNFRSF6B (RTEL1-TNFRSF6B readthrough (NMD candidate); plus strand). Cytogenetic location: 20q13.33.
Variant type: single nucleotide variant.
Coding change: c.3060G>T on transcript NM_001283009.2 (MANE Select); coding-DNA position 3060, G replaced by T.
Protein change: p.Glu1020Asp; replaces glutamic acid 1020 with aspartic acid.
Molecular consequence: missense variant. On other transcripts: non-coding transcript variant (1).
Genome position (GRCh38, 1-based): chr20:63,694,439, G>T. VCF-style: chr20-63694439-G-T. GRCh37 (hg19) VCF-style: chr20-62325792-G-T.
Other names: c.2391G>T, p.Glu797Asp (NM_001283010.1); c.3060G>T, p.Glu1020Asp (NM_016434.4); c.3132G>T, p.Glu1044Asp (NM_032957.5); short protein forms E1020D, E797D, E1044D.
Identifiers: ClinVar variation 4157644 (VCV004157644.1).
Genomic context (GRCh38, chr20:63,694,439, plus strand): 5'-GGCGCCGGATCCCAAGCTGACCGTGTCCACGGCTGCAGCCCAGCAGCTGGACCCCCAAGA[G>T]CACCTGAACCAGGGCAGGCCCCACCTGTCGCCCAGGCCACCCCCAACAGGTAGCTGACTC-3'
Protein context (NP_001269938.1, residues 1010-1030): TAAAQQLDPQ[Glu1020Asp]HLNQGRPHLS

ClinVar aggregate classification (germline): Uncertain significance (1 of 4 stars; one submission).

Conditions:
Inborn genetic diseases. Identifiers: MedGen C0950123, MeSH D030342.

gnomAD v4.1: 1 of 1,612,020 alleles (0.000062%); highest among the groups gnomAD compares: Non-Finnish European, 0.000085%; no homozygotes.

Submission:

Ambry Genetics
Classification: Uncertain significance for Inborn genetic diseases. Last evaluated: 2025-08-07. Review status: criteria provided, single submitter. Criteria: Ambry Variant Classification Scheme 2023. Collection method: clinical testing. Allele origin: germline.
Comment: The p.E1020D variant (also known as c.3060G>T), located in coding exon 30 of the RTEL1 gene, results from a G to T substitution at nucleotide position 3060. The glutamic acid at codon 1020 is replaced by aspartic acid, an amino acid with highly similar properties. This amino acid position is conserved. In addition, this alteration is predicted to be tolerated by in silico analysis. Based on the available evidence, the clinical significance of this variant remains unclear.